The following is an entry in ClinVar:

ClinVar aggregate classification (germline): Uncertain significance (1 of 4 stars; one submission).

Submission:

GeneDx
Classification: Uncertain significance. Last evaluated: 2025-05-12. Review status: criteria provided, single submitter. Criteria: GeneDx Variant Classification Process June 2021. Collection method: clinical testing. Allele origin: germline. Affected: yes.
Comment: Not observed at significant frequency in large population cohorts (gnomAD); In silico analysis supports that this missense variant has a deleterious effect on protein structure/function; Has not been previously published as pathogenic or benign to our knowledge

NM_002448.3(MSX1):c.674C>G (p.Ala225Gly)

Gene: MSX1 (msh homeobox 1; plus strand). Cytogenetic location: 4p16.2.
Variant type: single nucleotide variant.
Coding change: c.674C>G on transcript NM_002448.3 (MANE Select); coding-DNA position 674, C replaced by G.
Protein change: p.Ala225Gly; replaces alanine 225 with glycine.
Molecular consequence: missense variant.
Genome position (GRCh38, 1-based): chr4:4,862,905, C>G. VCF-style: chr4-4862905-C-G. GRCh37 (hg19) VCF-style: chr4-4864632-C-G.
Other names: short protein forms A225G.
Identifiers: ClinVar variation 4529525 (VCV004529525.1).